The following is an entry in ClinVar:

ClinVar aggregate classification (germline): Uncertain significance (1 of 4 stars; one submission).

Conditions:
Epileptic encephalopathy. Identifiers: MedGen C0543888, HP:0200134.

gnomAD v4.1: 13 of 1,612,524 alleles (0.00081%); highest among the groups gnomAD compares: Middle Eastern, 0.082%; 1 homozygote.

Submission:

Labcorp Genetics (formerly Invitae), Labcorp
Classification: Uncertain significance for Epileptic encephalopathy. Last evaluated: 2023-08-10. Review status: criteria provided, single submitter. Criteria: Invitae Variant Classification Sherloc (09022015). Collection method: clinical testing. Allele origin: germline.
Comment: An algorithm developed to predict the effect of missense changes on protein structure and function (PolyPhen-2) suggests that this variant is likely to be tolerated. This sequence change replaces arginine, which is basic and polar, with glycine, which is neutral and non-polar, at codon 512 of the FASN protein (p.Arg512Gly). This variant is present in population databases (no rsID available, gnomAD 0.0009%). This variant has not been reported in the literature in individuals affected with FASN-related conditions. ClinVar contains an entry for this variant (Variation ID: 1433174). In summary, the available evidence is currently insufficient to determine the role of this variant in disease. Therefore, it has been classified as a Variant of Uncertain Significance.

NM_004104.5(FASN):c.1534C>G (p.Arg512Gly)

Gene: FASN (fatty acid synthase; minus strand). Cytogenetic location: 17q25.3.
Variant type: single nucleotide variant.
Coding change: c.1534C>G on transcript NM_004104.5 (MANE Select); coding-DNA position 1534, C replaced by G.
Protein change: p.Arg512Gly; replaces arginine 512 with glycine.
Molecular consequence: missense variant.
Genome position (GRCh38, 1-based): chr17:82,091,028, G>C on the plus strand (C>G on the coding strand, the complement: FASN is on the minus strand). VCF-style: chr17-82091028-G-C. GRCh37 (hg19) VCF-style: chr17-80048904-G-C.
Other names: short protein forms R512G.
Identifiers: ClinVar variation 1433174 (VCV001433174.8), dbSNP rs767886787, ClinGen allele CA401560238.